The following is an entry in ClinVar:

NM_000216.4(ANOS1):c.745del (p.Gln249fs)

Gene: ANOS1 (anosmin 1; minus strand). Cytogenetic location: Xp22.31.
Variant type: Deletion.
Coding change: c.745del on transcript NM_000216.4 (MANE Select); coding-DNA position 745, one base deleted (C; older notation c.745delC).
Protein change: p.Gln249fs; shifts the reading frame from glutamine 249.
Molecular consequence: frameshift variant.
Genome position (GRCh38, 1-based): chrX:8,585,378, G deleted on the plus strand (C on the coding strand, the reverse complement: ANOS1 is on the minus strand). VCF-style (leftmost placement, unchanged base first): chrX-8585377-TG-T. GRCh37 (hg19) VCF-style: chrX-8553418-TG-T.
Other names: short protein forms Q249fs.
Identifiers: ClinVar variation 2006554 (VCV002006554.4), dbSNP rs2518492977, ClinGen allele CA2580101968.

ClinVar aggregate classification (germline): Pathogenic (1 of 4 stars; one submission).

Conditions:
Hypogonadotropic hypogonadism 1 with or without anosmia (HH1). Also called: Kallmann syndrome, type 1, X-linked; DYSPLASIA OLFACTOGENITALIS OF DE MORSIER; HYPOGONADOTROPIC HYPOGONADISM 1 WITH ANOSMIA; HYPOGONADOTROPIC HYPOGONADISM AND ANOSMIA; KAL1-Related GnRH Deficiency (Kallmann Syndrome 1; Kallmann Syndrome, X-Linked); Hypogonadotropic hypogonadism 1 with or without anosmia (Kallmann syndrome 1). Identifiers: Orphanet 478, MedGen C1563719, MONDO:0010635, OMIM 308700. Disease mechanism: loss of function.

Submission:

Labcorp Genetics (formerly Invitae), Labcorp
Classification: Pathogenic for Hypogonadotropic hypogonadism 1 with or without anosmia. Last evaluated: 2022-06-14. Review status: criteria provided, single submitter. Criteria: Invitae Variant Classification Sherloc (09022015). Collection method: clinical testing. Allele origin: germline.
Comment: This sequence change creates a premature translational stop signal (p.Gln249Asnfs*2) in the ANOS1 gene. It is expected to result in an absent or disrupted protein product. Loss-of-function variants in ANOS1 are known to be pathogenic (PMID: 8504298, 11297579). This variant is not present in population databases (gnomAD no frequency). This variant has not been reported in the literature in individuals affected with ANOS1-related conditions. For these reasons, this variant has been classified as Pathogenic.

Literature cited by the submitters: PubMed 8504298; PubMed 11297579.